The following is an entry in ClinVar:

NM_000059.4(BRCA2):c.694dup (p.Tyr232fs)

Gene: BRCA2 (BRCA2 DNA repair associated; plus strand). Cytogenetic location: 13q13.1.
Variant type: Duplication.
Coding change: c.694dup on transcript NM_000059.4 (MANE Select); coding-DNA position 694, one base duplicated (T; older notation c.694dupT).
Protein change: p.Tyr232fs; shifts the reading frame from tyrosine 232.
Molecular consequence: frameshift variant.
Genome position (GRCh38, 1-based): chr13:32,330,931, T duplicated. VCF-style (leftmost placement, unchanged base first): chr13-32330930-C-CT. GRCh37 (hg19) VCF-style: chr13-32905067-C-CT.
Other names: 922insT; short protein forms Y232fs.
Identifiers: ClinVar variation 266975 (VCV000266975.6), dbSNP rs886040677, ClinGen allele CA10589041.

ClinVar aggregate classification (germline): Pathogenic. Review status: reviewed by expert panel (3 of 4 stars). 3 submissions from 3 submitters: Pathogenic (1). 2 of the submissions do not count toward it. Last evaluated 2016-10-18.

Conditions:
Breast-ovarian cancer, familial, susceptibility to, 2 (BROVCA2). Also called: BRCA2 Hereditary Breast and Ovarian Cancer. Identifiers: Orphanet 145, MedGen C2675520, MONDO:0012933, OMIM 612555. Disease mechanism: loss of function.

Submissions (3):

Evidence-based Network for the Interpretation of Germline Mutant Alleles (ENIGMA)
Classification: Pathogenic for Breast-ovarian cancer, familial, susceptibility to, 2. Last evaluated: 2016-10-18. Review status: reviewed by expert panel. Criteria: ENIGMA BRCA1/2 Classification Criteria (2015). Collection method: curation. Allele origin: germline.
Comment: Variant allele predicted to encode a truncated non-functional protein.

Consortium of Investigators of Modifiers of BRCA1/2 (CIMBA), c/o University of Cambridge
Classification: Pathogenic for Breast-ovarian cancer, familial, susceptibility to, 2. Last evaluated: 2015-10-02. Review status: criteria provided, single submitter. Criteria: CIMBA Mutation Classification guidelines May 2016. Collection method: clinical testing. Allele origin: germline. Not counted in ClinVar's aggregate classification.

BRCAlab, Lund University
Classification: Pathogenic for Breast-ovarian cancer, familial, susceptibility to, 2. Last evaluated: 2020-03-02. Review status: no assertion criteria provided. Collection method: clinical testing. Allele origin: germline. Affected: yes. Not counted in ClinVar's aggregate classification.